The following is an entry in ClinVar:

NM_005378.6(MYCN):c.1169_1178del (p.Glu390fs)

Gene: MYCN (MYCN proto-oncogene, bHLH transcription factor; plus strand). Cytogenetic location: 2p24.3.
Variant type: Deletion.
Coding change: c.1169_1178del on transcript NM_005378.6 (MANE Select); coding-DNA positions 1169 to 1178, 10 bases deleted (AGCGCCAGCG; older notation c.1169_1178delAGCGCCAGCG).
Protein change: p.Glu390fs; shifts the reading frame from glutamic acid 390.
Molecular consequence: frameshift variant. On other transcripts: 3 prime UTR variant (1).
Genome position (GRCh38, 1-based): chr2:15,945,871-15,945,880, AGCGCCAGCG deleted; deleting any 10 consecutive bases within chr2:15,945,870-15,945,880 gives the same sequence; the c. name uses the placement nearest the transcript's 3' end. VCF-style (leftmost placement, unchanged base first): chr2-15945869-GGAGCGCCAGC-G. GRCh37 (hg19) VCF-style: chr2-16085991-GGAGCGCCAGC-G.
Other names: c.1169_1178del, p.Glu390fs (NM_001293228.2); c.536_545del, p.Glu179fs (NM_001293231.2); c.*1104_*1113del (NM_001293233.2); short protein forms E179fs, E390fs.
Identifiers: ClinVar variation 503629 (VCV000503629.2), dbSNP rs1553370992, ClinGen allele CA658795680.
Genomic context (GRCh38, chr2:15,945,869, plus strand): 5'-CTTGAGCCCCCGAAACTCTGACTCGGAGGACAGTGAGCGTCGCAGAAACCACAACATCCT[GGAGCGCCAGC>G]GCCGCAACGACCTTCGGTCCAGCTTTCTCACGCTCAGGGACCACGTGCCGGAGTTGGTAA-3'

ClinVar aggregate classification (germline): Likely pathogenic (1 of 4 stars; one submission).

Submission:

GeneDx
Classification: Likely pathogenic. Last evaluated: 2018-01-15. Review status: criteria provided, single submitter. Criteria: GeneDx Variant Classification (06012015). Collection method: clinical testing. Allele origin: germline. Affected: yes.
Comment: The c.1169_1178del10 variant in the MYCN gene causes a frameshift starting with codon Glutamic Acid 390, changes this amino acid to an Alanine residue and creates a premature Stop codon at position 20 of the new reading frame, denoted p.Glu390AlafsX20. The c.1169_1178del10 variant is not observed in large population cohorts (Lek et al., 2016). This variant is predicted to cause loss of normal protein function through protein truncation as the last 75 amino acids are replaced with 19 aberrant amino acids. Although this variant has not been previously reported to our knowledge, it is a strong candidate for a pathogenic variant. However, the possibility it may be a rare benign variant cannot be excluded.